The following is an entry in ClinVar:

ClinVar aggregate classification (germline): Uncertain significance. Review status: criteria provided, multiple submitters, no conflicts (2 of 4 stars). 3 submissions from 3 submitters: Uncertain significance (3). Last evaluated 2025-08-04.

Conditions:
Juvenile polyposis syndrome (JPS). Identifiers: Orphanet 2929, MedGen C0345893, MONDO:0017380, OMIM 174900.

Submissions (3):

Dasa
Classification: Uncertain significance. Last evaluated: 2025-08-04. Review status: criteria provided, single submitter. Criteria: DASA Assertion Criteria. Collection method: clinical testing. Allele origin: germline.
Comment: NM_005359.6(SMAD4):c.1409C>G (p.Pro470Arg) is a missense variant that results in the substitution of proline with arginine. This variant is absent from population databases. Computational prediction algorithms are consistent with a deleterious effect. The currently available literature and clinical evidence are not sufficient to establish a definitive association between this variant and the reported condition. Therefore, this variant is classified as a variant of uncertain significance.

Labcorp Genetics (formerly Invitae), Labcorp
Classification: Uncertain significance for Juvenile polyposis syndrome. Last evaluated: 2023-02-23. Review status: criteria provided, single submitter. Criteria: Invitae Variant Classification Sherloc (09022015). Collection method: clinical testing. Allele origin: germline.
Comment: In summary, the available evidence is currently insufficient to determine the role of this variant in disease. Therefore, it has been classified as a Variant of Uncertain Significance. Advanced modeling of protein sequence and biophysical properties (such as structural, functional, and spatial information, amino acid conservation, physicochemical variation, residue mobility, and thermodynamic stability) has been performed at Invitae for this missense variant, however the output from this modeling did not meet the statistical confidence thresholds required to predict the impact of this variant on SMAD4 protein function. ClinVar contains an entry for this variant (Variation ID: 1685132). This variant has not been reported in the literature in individuals affected with SMAD4-related conditions. This variant is not present in population databases (gnomAD no frequency). This sequence change replaces proline, which is neutral and non-polar, with arginine, which is basic and polar, at codon 470 of the SMAD4 protein (p.Pro470Arg).

Mendelics
Classification: Uncertain significance. Last evaluated: 2022-05-04. Review status: criteria provided, single submitter. Criteria: Mendelics Assertion Criteria 2019. Collection method: clinical testing. Allele origin: germline.

NM_005359.6(SMAD4):c.1409C>G (p.Pro470Arg)

Gene: SMAD4 (SMAD family member 4; plus strand). Cytogenetic location: 18q21.2.
Variant type: single nucleotide variant.
Coding change: c.1409C>G on transcript NM_005359.6 (MANE Select); coding-DNA position 1409, C replaced by G.
Protein change: p.Pro470Arg; replaces proline 470 with arginine.
Molecular consequence: missense variant.
Genome position (GRCh38, 1-based): chr18:51,076,738, C>G. VCF-style: chr18-51076738-C-G. GRCh37 (hg19) VCF-style: chr18-48603108-C-G.
Other names: short protein forms P470R.
Identifiers: ClinVar variation 1685132 (VCV001685132.8), dbSNP rs1599204186, ClinGen allele CA402465319.